The following is an entry in ClinVar:

NM_000051.4(ATM):c.72+37_72+38del

Gene: ATM (ATM serine/threonine kinase; plus strand). Cytogenetic location: 11q22.3.
Variant type: Deletion.
Coding change: c.72+37_72+38del on transcript NM_000051.4 (MANE Select); bases 37 to 38 of the intron after coding-DNA position 72, 2 bases deleted (AA; older notation c.72+37_72+38delAA).
Molecular consequence: intron variant.
Genome position (GRCh38, 1-based): chr11:108,227,733-108,227,734, AA deleted. VCF-style (leftmost placement, unchanged base first): chr11-108227732-TAA-T. GRCh37 (hg19) VCF-style: chr11-108098459-TAA-T.
Other names: c.72+37_72+38del (NM_001351834.2, NM_001351835.2, NM_001351836.2).
Identifiers: ClinVar variation 1178525 (VCV001178525.8), dbSNP rs2066734, ClinGen allele CA6264508.
Genomic context (GRCh38, chr11:108,227,732, plus strand): 5'-ACATGATAGAGCTACAGAACGAAAGGTAGTAAATTACTTAAATTCAATTTTTCCTTGAAA[TAA>T]GTGTGATTAGTAACCCATTATTATTTCCTTTTTATTTTCAGAAAGAAGTTGAGAAATTTA-3'

ClinVar aggregate classification (germline): Benign. Review status: criteria provided, multiple submitters, no conflicts (2 of 4 stars). 7 submissions from 7 submitters: Benign (4). 3 of the submissions do not count toward it. Last evaluated 2025-07-10.

Conditions:
Hereditary breast ovarian cancer syndrome. Also called: Breast and ovarian cancer; BRCA1- and BRCA2-Associated Hereditary Breast and Ovarian Cancer; Hereditary breast and ovarian cancer; Hereditary breast and ovarian cancer syndrome; Hereditary breast and ovarian cancer syndrome (HBOC); Hereditary breast and/or ovarian cancer syndrome. Identifiers: Orphanet 145, MedGen C0677776, MeSH D061325, MONDO:0003582. Disease mechanism: loss of function.
Hereditary cancer-predisposing syndrome. Also called: Hereditary neoplastic syndrome; Tumor predisposition; Neoplastic Syndromes, Hereditary; Hereditary Cancer Syndrome. Identifiers: Orphanet 140162, MedGen C0027672, MeSH D009386, MONDO:0015356.

Allele frequency attached by ClinVar (database versions not stated): ESP Exome Variant Server 0.33578; gnomAD 0.35257 and 0.36208; TOPMed 0.36015; 1000 Genomes Project 30x 0.37664; 1000 Genomes Project 0.38119; gnomAD exomes 0.41879 and 0.43522; ExAC 0.42534.

Submissions (7):

GeneKor MSA
Classification: Benign for Hereditary cancer-predisposing syndrome. Last evaluated: 2025-07-10. Review status: criteria provided, single submitter. Criteria: ACMG Guidelines, 2015. Collection method: clinical testing. Allele origin: germline.

Unidad de Genómica Garrahan, Hospital de Pediatría Garrahan
Classification: Benign. Last evaluated: 2023-11-12. Review status: criteria provided, single submitter. Criteria: ACMG Guidelines, 2015. Collection method: clinical testing. Allele origin: germline. Affected: no. Observed: 67 variant alleles.
Comment: This variant is classified as Benign based on local population frequency. This variant was detected in 70% of patients studied by a panel of primary immunodeficiencies. Number of patients: 67. Only high quality variants are reported.

National Health Laboratory Service, Universitas Academic Hospital and University of the Free State
Classification: Benign for Hereditary breast ovarian cancer syndrome. Last evaluated: 2022-04-19. Review status: criteria provided, single submitter. Criteria: ACMG Guidelines, 2015. Collection method: clinical testing. Allele origin: germline. Affected: yes. Observed: 84 variant alleles.

GeneDx
Classification: Benign. Last evaluated: 2015-03-03. Review status: criteria provided, single submitter. Criteria: GeneDx Variant Classification Process June 2021. Collection method: clinical testing. Allele origin: germline. Affected: yes.

Clinical Genetics Laboratory, Department of Pathology, Netherlands Cancer Institute
Classification: Benign. Review status: no assertion criteria provided. Collection method: clinical testing. Allele origin: germline. Affected: yes. Study: VKGL Data-share Consensus. Not counted in ClinVar's aggregate classification.

Genome Diagnostics Laboratory, University Medical Center Utrecht
Classification: Benign. Review status: no assertion criteria provided. Collection method: clinical testing. Allele origin: germline. Affected: yes. Study: VKGL Data-share Consensus. Not counted in ClinVar's aggregate classification.

Joint Genome Diagnostic Labs from Nijmegen and Maastricht, Radboudumc and MUMC+
Classification: Benign. Review status: no assertion criteria provided. Collection method: clinical testing. Allele origin: germline. Affected: yes. Study: VKGL Data-share Consensus. Not counted in ClinVar's aggregate classification.